The following is an entry in ClinVar:

NM_000257.4(MYH7):c.758G>T (p.Gly253Val)

Gene: MYH7 (myosin heavy chain 7; minus strand). Cytogenetic location: 14q11.2.
Variant type: single nucleotide variant.
Coding change: c.758G>T on transcript NM_000257.4 (MANE Select); coding-DNA position 758, G replaced by T.
Protein change: p.Gly253Val; replaces glycine 253 with valine.
Molecular consequence: missense variant.
Genome position (GRCh38, 1-based): chr14:23,431,456, C>A on the plus strand (G>T on the coding strand, the complement: MYH7 is on the minus strand). VCF-style: chr14-23431456-C-A. GRCh37 (hg19) VCF-style: chr14-23900665-C-A.
Other names: p.G253V:GGG>GTG; c.758G>T (LRG_384t1); short protein forms G253V.
Identifiers: ClinVar variation 181324 (VCV000181324.13), dbSNP rs730880853, ClinGen allele CA016808.

ClinVar aggregate classification (germline): Uncertain significance. Review status: criteria provided, multiple submitters, no conflicts (2 of 4 stars). 4 submissions from 4 submitters: Uncertain significance (4). Last evaluated 2025-08-11.

Conditions:
Cardiovascular phenotype. Identifiers: MedGen CN230736.
Hypertrophic cardiomyopathy 1 (CMH1). Also called: Familial hypertrophic cardiomyopathy 1; MYH7-Related Familial Hypertrophic Cardiomyopathy. Identifiers: MedGen C3495498, MONDO:0008647, OMIM 192600.
Myopathy, myosin storage, autosomal recessive (CMYO7B). Also called: CONGENITAL MYOPATHY 7B, MYOSIN STORAGE, AUTOSOMAL RECESSIVE. Identifiers: Orphanet 636970, MedGen C1850709, MONDO:0009708, OMIM 255160.
Myosin storage myopathy (CMYO7A). Also called: MYOPATHY WITH LYSIS OF TYPE I MYOFIBRILS; MYH7-related late-onset scapuloperoneal muscular dystrophy; Congenital myopathy 7A, myosin storage, autosomal dominant; MYOPATHY, HYALINE BODY, AUTOSOMAL DOMINANT; Scapuloperoneal myopathy, MYH7-related; SCAPULOPERONEAL MUSCULAR DYSTROPHY. Identifiers: Orphanet 437572, Orphanet 636965, MedGen C1842160, MONDO:0008409, OMIM 608358.
Dilated cardiomyopathy 1S (CMD1S). Identifiers: Orphanet 154, Orphanet 54260, MedGen C1834481, MONDO:0013262, OMIM 613426.
MYH7-related skeletal myopathy. Also called: Myopathy, distal, 1; Laing early-onset distal myopathy; MYOPATHY, DISTAL, EARLY-ONSET, AUTOSOMAL DOMINANT; MYOPATHY, LATE DISTAL HEREDITARY; Laing distal myopathy. Identifiers: Orphanet 59135, MedGen C4552004, MONDO:0008050, OMIM 160500.
Hypertrophic cardiomyopathy. Also called: HYPERTROPHIC MYOCARDIOPATHY. Identifiers: Orphanet 217569, MedGen C0007194, MeSH D002312, MONDO:0005045, HP:0001639.

Submissions (4):

Labcorp Genetics (formerly Invitae), Labcorp
Classification: Uncertain significance for Hypertrophic cardiomyopathy. Last evaluated: 2025-08-11. Review status: criteria provided, single submitter. Criteria: Invitae Variant Classification Sherloc (09022015). Collection method: clinical testing. Allele origin: germline.
Comment: This sequence change replaces glycine, which is neutral and non-polar, with valine, which is neutral and non-polar, at codon 253 of the MYH7 protein (p.Gly253Val). This variant is not present in population databases (gnomAD no frequency). This variant has not been reported in the literature in individuals affected with MYH7-related conditions. ClinVar contains an entry for this variant (Variation ID: 181324). Invitae Evidence Modeling of protein sequence and biophysical properties (such as structural, functional, and spatial information, amino acid conservation, physicochemical variation, residue mobility, and thermodynamic stability) indicates that this missense variant is expected to disrupt MYH7 protein function with a positive predictive value of 95%. In summary, the available evidence is currently insufficient to determine the role of this variant in disease. Therefore, it has been classified as a Variant of Uncertain Significance.

Clinical Genomics Laboratory, Stanford Medicine
Classification: Uncertain significance for Dilated cardiomyopathy 1S; Hypertrophic cardiomyopathy 1; Myosin storage myopathy; Myopathy, myosin storage, autosomal recessive; MYH7-related skeletal myopathy. Last evaluated: 2022-01-25. Review status: criteria provided, single submitter. Criteria: ACMG Guidelines, 2015. Collection method: clinical testing. Allele origin: germline. Observed: 1 variant allele, 1 heterozygote.
Comment: The p.Gly253Val variant in the MYH7 gene has not been previously reported in association with disease. This variant was absent from large population databases, including the Genome Aggregation Database. This variant is located in the myosin head domain of MYH7. Other pathogenic and likely pathogenic variants have been described in this domain and disrupt the function of MYH7. Computational tools predict that this variant is deleterious; however, the accuracy of in silico algorithms is limited. These data were assessed using the ACMG/AMP variant interpretation guidelines. In summary, the significance of the p.Gly253Val variant is uncertain. Additional information is needed to resolve the significance of this variant. [ACMG evidence codes used: PM1; PM2; PP3]

Ambry Genetics
Classification: Uncertain significance for Cardiovascular phenotype. Last evaluated: 2020-11-13. Review status: criteria provided, single submitter. Criteria: Ambry Variant Classification Scheme 2023. Collection method: clinical testing. Allele origin: germline.
Comment: The p.G253V variant (also known as c.758G>T), located in coding exon 7 of the MYH7 gene, results from a G to T substitution at nucleotide position 758. The glycine at codon 253 is replaced by valine, an amino acid with dissimilar properties, and is located in the head domain. This amino acid position is well conserved in available vertebrate species. In addition, the in silico prediction for this alteration is inconclusive. Since supporting evidence is limited at this time, the clinical significance of this alteration remains unclear.

GeneDx
Classification: Uncertain significance. Last evaluated: 2019-06-11. Review status: criteria provided, single submitter. Criteria: GeneDx Variant Classification Process June 2021. Collection method: clinical testing. Allele origin: germline. Affected: yes.
Comment: Not observed in large population cohorts (Lek et al., 2016); In silico analysis, which includes protein predictors and evolutionary conservation, supports a deleterious effect; Has not been previously published as pathogenic or benign to our knowledge